The following is an entry in ClinVar:

NM_020800.3(IFT80):c.440-2A>G

Genes: TRIM59-IFT80 (TRIM59-IFT80 readthrough (NMD candidate); minus strand), IFT80 (intraflagellar transport 80; minus strand). Cytogenetic location: 3q25.33.
Variant type: single nucleotide variant.
Coding change: c.440-2A>G on transcript NM_020800.3 (MANE Select); the canonical splice acceptor site of the intron before coding-DNA position 440, A replaced by G.
Molecular consequence: splice acceptor variant.
Genome position (GRCh38, 1-based): chr3:160,366,154, T>C on the plus strand (A>G on the coding strand, the complement: IFT80 is on the minus strand). VCF-style: chr3-160366154-T-C. GRCh37 (hg19) VCF-style: chr3-160083942-T-C.
Other names: c.29-2A>G (NM_001190241.2, NM_001190242.2).
Identifiers: ClinVar variation 1067006 (VCV001067006.10), dbSNP rs1721846338, ClinGen allele CA355193430.

ClinVar aggregate classification (germline): Likely pathogenic. Review status: criteria provided, multiple submitters, no conflicts (2 of 4 stars). 2 submissions from 2 submitters: Likely pathogenic (2). Last evaluated 2024-06-13.

Conditions:
Jeune thoracic dystrophy. Also called: Short-rib thoracic dysplasia; Jeune syndrome; Infantile thoracic dystrophy; Thoracic pelvic phalangeal dystrophy; Jeune's syndrome; Chondroectodermal dysplasia-like syndrome. Identifiers: Orphanet 474, MedGen C0265275, MONDO:0018770.
Asphyxiating thoracic dystrophy 2 (SRTD2). Also called: SHORT-RIB THORACIC DYSPLASIA 2 WITH POLYDACTYLY; SHORT-RIB THORACIC DYSPLASIA 2 WITHOUT POLYDACTYLY; SHORT-RIB THORACIC DYSPLASIA 2 WITH OR WITHOUT POLYDACTYLY. Identifiers: Orphanet 474, MedGen C1970005, MONDO:0012644, OMIM 611263.

Allele frequency attached by ClinVar (database versions not stated): TOPMed below 0.00001.

Submissions (2):

Fulgent Genetics
Classification: Likely pathogenic for Asphyxiating thoracic dystrophy 2. Last evaluated: 2024-06-13. Review status: criteria provided, single submitter. Criteria: ACMG Guidelines, 2015. Collection method: clinical testing. Allele origin: germline.

Labcorp Genetics (formerly Invitae), Labcorp
Classification: Likely pathogenic for Jeune thoracic dystrophy. Last evaluated: 2022-06-20. Review status: criteria provided, single submitter. Criteria: Invitae Variant Classification Sherloc (09022015). Collection method: clinical testing. Allele origin: germline.
Comment: In summary, the currently available evidence indicates that the variant is pathogenic, but additional data are needed to prove that conclusively. Therefore, this variant has been classified as Likely Pathogenic. Algorithms developed to predict the effect of sequence changes on RNA splicing suggest that this variant may disrupt the consensus splice site. ClinVar contains an entry for this variant (Variation ID: 1067006). This variant has not been reported in the literature in individuals affected with IFT80-related conditions. This variant is not present in population databases (gnomAD no frequency). This sequence change affects an acceptor splice site in intron 5 of the IFT80 gene. It is expected to disrupt RNA splicing. Variants that disrupt the donor or acceptor splice site typically lead to a loss of protein function (PMID: 16199547), and loss-of-function variants in IFT80 are known to be pathogenic (PMID: 21227999, 23339108, 29068549).

Literature cited by the submitters: PubMed 16199547 (cited by Labcorp Genetics (formerly Invitae), Labcorp); PubMed 21227999 (cited by Labcorp Genetics (formerly Invitae), Labcorp); PubMed 23339108 (cited by Labcorp Genetics (formerly Invitae), Labcorp); PubMed 29068549 (cited by Labcorp Genetics (formerly Invitae), Labcorp).